The following is an entry in ClinVar:

ClinVar aggregate classification (germline): Likely pathogenic (1 of 4 stars; one submission).

Conditions:
Usher syndrome type 2A. Also called: RETINAL DISEASE IN USHER SYNDROME TYPE IIA, MODIFIER OF; USHER SYNDROME, TYPE IIA. Identifiers: Orphanet 231178, Orphanet 886, MedGen C1848634, MONDO:0010169, OMIM 276901.

Submission:

Natera, Inc.
Classification: Likely pathogenic for Usher syndrome type 2A. Last evaluated: 2025-04-13. Review status: criteria provided, single submitter. Criteria: Natera Variant Classification Schema (03/2026). Collection method: clinical testing. Allele origin: germline.
Comment: The c.10027G>T variant in USH2A is a nonsense variant predicted to introduce a stop codon at amino acid 3343. This variant is expected to result in nonsense mediated decay, truncation, or a dysfunctional protein product. This variant is rare in the general population with a frequency below the threshold expected for the associated phenotype(s). Given the available evidence, this variant is classified as Likely Pathogenic.

NM_206933.4(USH2A):c.10027G>T (p.Glu3343Ter)

Gene: USH2A (usherin; minus strand). Cytogenetic location: 1q41.
Variant type: single nucleotide variant.
Coding change: c.10027G>T on transcript NM_206933.4 (MANE Select); coding-DNA position 10027, G replaced by T.
Protein change: p.Glu3343Ter; replaces glutamic acid 3343 with a stop codon.
Molecular consequence: nonsense.
Genome position (GRCh38, 1-based): chr1:215,790,214, C>A on the plus strand (G>T on the coding strand, the complement: USH2A is on the minus strand). VCF-style: chr1-215790214-C-A. GRCh37 (hg19) VCF-style: chr1-215963556-C-A.
Other names: short protein forms E3343*.
Identifiers: ClinVar variation 4062643 (VCV004062643.2).